The following is an entry in ClinVar:

ClinVar aggregate classification (germline): Uncertain significance (1 of 4 stars; one submission).

Submission:

GeneDx
Classification: Uncertain significance. Last evaluated: 2025-10-28. Review status: criteria provided, single submitter. Criteria: GeneDx Variant Classification Process June 2021. Collection method: clinical testing. Allele origin: germline. Affected: yes.
Comment: In silico analysis supports that this missense variant has a deleterious effect on protein structure/function; Not observed at significant frequency in large population cohorts (gnomAD); Has not been previously published as pathogenic or benign to our knowledge

NM_001127644.2(GABRA1):c.231C>A (p.Phe77Leu)

Gene: GABRA1 (gamma-aminobutyric acid type A receptor subunit alpha1; plus strand). Cytogenetic location: 5q34.
Variant type: single nucleotide variant.
Coding change: c.231C>A on transcript NM_001127644.2 (MANE Select); coding-DNA position 231, C replaced by A.
Protein change: p.Phe77Leu; replaces phenylalanine 77 with leucine.
Molecular consequence: missense variant.
Genome position (GRCh38, 1-based): chr5:161,865,764, C>A. VCF-style: chr5-161865764-C-A. GRCh37 (hg19) VCF-style: chr5-161292770-C-A.
Other names: c.231C>A, p.Phe77Leu (NM_000806.5, NM_001127643.2, NM_001127645.2 and 1 more transcripts); short protein forms F77L.
Identifiers: ClinVar variation 3373568 (VCV003373568.2).